The following is an entry in ClinVar:

NM_001375808.2(LPIN2):c.516C>T (p.Ala172=)

Gene: LPIN2 (lipin 2; minus strand). Cytogenetic location: 18p11.31.
Variant type: single nucleotide variant.
Coding change: c.516C>T on transcript NM_001375808.2 (MANE Select); coding-DNA position 516, C replaced by T.
Protein change: p.Ala172=; no amino-acid change (alanine 172 retained).
Molecular consequence: synonymous variant.
Genome position (GRCh38, 1-based): chr18:2,951,129, G>A on the plus strand (C>T on the coding strand, the complement: LPIN2 is on the minus strand). VCF-style: chr18-2951129-G-A. GRCh37 (hg19) VCF-style: chr18-2951127-G-A.
Other names: c.516C>T, p.Ala172= (NM_001375809.1, NM_014646.2).
Identifiers: ClinVar variation 514066 (VCV000514066.16), dbSNP rs150312425, ClinGen allele CA8873541.

ClinVar aggregate classification (germline): Conflicting classifications of pathogenicity. Review status: criteria provided, conflicting classifications (1 of 4 stars). 4 submissions from 4 submitters: Uncertain significance (1); Likely benign (3). Last evaluated 2025-02-13.

Conditions:
Majeed syndrome (MJDS). Also called: CHRONIC RECURRENT MULTIFOCAL OSTEOMYELITIS 1, WITH CONGENITAL DYSERYTHROPOIETIC ANEMIA, WITH OR WITHOUT NEUTROPHILIC DERMATOSIS; LPIN2-Related Majeed Syndrome. Identifiers: Orphanet 77297, MedGen C1864997, MONDO:0012316, OMIM 609628.
Autoinflammatory syndrome. Identifiers: Orphanet 93665, MedGen C3890737, MONDO:0019751.

Allele frequency attached by ClinVar (database versions not stated): gnomAD exomes 0.00008 and 0.00018; 1000 Genomes Project 0.00020; ExAC 0.00021; ESP Exome Variant Server 0.00023; gnomAD 0.00025 and 0.00026; TOPMed 0.00025; 1000 Genomes Project 30x 0.00031.
gnomAD v4.1: 159 of 1,614,060 alleles (0.0099%); highest among the groups gnomAD compares: South Asian, 0.072%; 2 homozygotes.

Submissions (4):

Labcorp Genetics (formerly Invitae), Labcorp
Classification: Likely benign for Majeed syndrome. Last evaluated: 2025-02-13. Review status: criteria provided, single submitter. Criteria: Invitae Variant Classification Sherloc (09022015). Collection method: clinical testing. Allele origin: germline.

Blueprint Genetics
Classification: Likely benign. Last evaluated: 2021-06-18. Review status: criteria provided, single submitter. Criteria: ACMG Guidelines, 2015. Collection method: clinical testing. Allele origin: germline.

GeneDx
Classification: Likely benign. Last evaluated: 2017-12-08. Review status: criteria provided, single submitter. Criteria: GeneDx Variant Classification (06012015). Collection method: clinical testing. Allele origin: germline. Affected: yes.
Comment: This variant is considered likely benign or benign based on one or more of the following criteria: it is a conservative change, it occurs at a poorly conserved position in the protein, it is predicted to be benign by multiple in silico algorithms, and/or has population frequency not consistent with disease.

Genome Diagnostics Laboratory, The Hospital for Sick Children
Classification: Uncertain significance for Autoinflammatory syndrome. Last evaluated: 2016-12-12. Review status: criteria provided, single submitter. Criteria: ACMG Guidelines, 2015. Collection method: clinical testing. Allele origin: germline. Affected: yes.